The following is an entry in ClinVar:

NM_206933.4(USH2A):c.5242C>T (p.Gln1748Ter)

Genes: USH2A (usherin; minus strand), USH2A-AS2 (USH2A antisense RNA 2; plus strand). Cytogenetic location: 1q41.
Variant type: single nucleotide variant.
Coding change: c.5242C>T on transcript NM_206933.4 (MANE Select); coding-DNA position 5242, C replaced by T.
Protein change: p.Gln1748Ter; replaces glutamine 1748 with a stop codon.
Molecular consequence: nonsense.
Genome position (GRCh38, 1-based): chr1:216,083,512, G>A on the plus strand (C>T on the coding strand, the complement: USH2A is on the minus strand). VCF-style: chr1-216083512-G-A. GRCh37 (hg19) VCF-style: chr1-216256854-G-A.
Other names: short protein forms Q1748*.
Identifiers: ClinVar variation 2086469 (VCV002086469.4), dbSNP rs2527805207, ClinGen allele CA344857966.

ClinVar aggregate classification (germline): Pathogenic (1 of 4 stars; one submission).

Submission:

Labcorp Genetics (formerly Invitae), Labcorp
Classification: Pathogenic. Last evaluated: 2022-11-22. Review status: criteria provided, single submitter. Criteria: Invitae Variant Classification Sherloc (09022015). Collection method: clinical testing. Allele origin: germline.
Comment: For these reasons, this variant has been classified as Pathogenic. Algorithms developed to predict the effect of sequence changes on RNA splicing suggest that this variant may disrupt the consensus splice site. This variant has not been reported in the literature in individuals affected with USH2A-related conditions. This variant is not present in population databases (gnomAD no frequency). This sequence change creates a premature translational stop signal (p.Gln1748*) in the USH2A gene. It is expected to result in an absent or disrupted protein product. Loss-of-function variants in USH2A are known to be pathogenic (PMID: 10729113, 10909849, 20507924, 25649381).

Literature cited by the submitters: PubMed 10729113; PubMed 10909849; PubMed 20507924; PubMed 25649381.